The following is an entry in ClinVar:

NM_015693.4(INTU):c.59C>T (p.Pro20Leu)

Gene: INTU (inturned planar cell polarity protein; plus strand). Cytogenetic location: 4q28.1.
Variant type: single nucleotide variant.
Coding change: c.59C>T on transcript NM_015693.4 (MANE Select); coding-DNA position 59, C replaced by T.
Protein change: p.Pro20Leu; replaces proline 20 with leucine.
Molecular consequence: missense variant.
Genome position (GRCh38, 1-based): chr4:127,633,093, C>T. VCF-style: chr4-127633093-C-T. GRCh37 (hg19) VCF-style: chr4-128554248-C-T.
Other names: c.59C>T (NM_015693.3); short protein forms P20L.
Identifiers: ClinVar variation 1937421 (VCV001937421.6), dbSNP rs187348525, ClinGen allele CA105639480.

ClinVar aggregate classification (germline): Uncertain significance. Review status: criteria provided, multiple submitters, no conflicts (2 of 4 stars). 2 submissions from 2 submitters: Uncertain significance (2). Last evaluated 2025-05-04.

Conditions:
Inborn genetic diseases. Identifiers: MedGen C0950123, MeSH D030342.

Allele frequency attached by ClinVar (database versions not stated): gnomAD exomes 0.00001; TOPMed 0.00002; gnomAD 0.00003; 1000 Genomes Project 30x 0.00016; 1000 Genomes Project 0.00020.
gnomAD v4.1: 13 of 1,613,968 alleles (0.00081%); highest among the groups gnomAD compares: African/African-American, 0.0013%; no homozygotes.

Submissions (2):

Ambry Genetics
Classification: Uncertain significance for Inborn genetic diseases. Last evaluated: 2025-05-04. Review status: criteria provided, single submitter. Criteria: Ambry Variant Classification Scheme 2023. Collection method: clinical testing. Allele origin: germline.

Labcorp Genetics (formerly Invitae), Labcorp
Classification: Uncertain significance. Last evaluated: 2024-08-10. Review status: criteria provided, single submitter. Criteria: Invitae Variant Classification Sherloc (09022015). Collection method: clinical testing. Allele origin: germline.
Comment: This sequence change replaces proline, which is neutral and non-polar, with leucine, which is neutral and non-polar, at codon 20 of the INTU protein (p.Pro20Leu). This variant is present in population databases (rs187348525, gnomAD 0.003%). This variant has not been reported in the literature in individuals affected with INTU-related conditions. ClinVar contains an entry for this variant (Variation ID: 1937421). An algorithm developed to predict the effect of missense changes on protein structure and function outputs the following: PolyPhen-2: "Benign". The leucine amino acid residue is found in multiple mammalian species, which suggests that this missense change does not adversely affect protein function. In summary, the available evidence is currently insufficient to determine the role of this variant in disease. Therefore, it has been classified as a Variant of Uncertain Significance.